The following is an entry in ClinVar:

NM_000492.4(CFTR):c.1934T>C (p.Met645Thr)

Gene: CFTR (CF transmembrane conductance regulator; plus strand). Cytogenetic location: 7q31.2.
Variant type: single nucleotide variant.
Coding change: c.1934T>C on transcript NM_000492.4 (MANE Select); coding-DNA position 1934, T replaced by C.
Protein change: p.Met645Thr; replaces methionine 645 with threonine.
Molecular consequence: missense variant.
Genome position (GRCh38, 1-based): chr7:117,592,101, T>C. VCF-style: chr7-117592101-T-C. GRCh37 (hg19) VCF-style: chr7-117232155-T-C.
Other names: c.1934T>C (NM_000492.3); short protein forms M645T.
Identifiers: ClinVar variation 993512 (VCV000993512.13), dbSNP rs377731410, ClinGen allele CA4451115.
Genomic context (GRCh38, chr7:117,592,101, plus strand): 5'-ATTTTTATGGGACATTTTCAGAACTCCAAAATCTACAGCCAGACTTTAGCTCAAAACTCA[T>C]GGGATGTGATTCTTTCGACCAATTTAGTGCAGAAAGAAGAAATTCAATCCTAACTGAGAC-3'
Protein context (NP_000483.3, residues 635-655): NLQPDFSSKL[Met645Thr]GCDSFDQFSA

ClinVar aggregate classification (germline): Uncertain significance. Review status: criteria provided, multiple submitters, no conflicts (2 of 4 stars). 4 submissions from 4 submitters: Uncertain significance (3). 1 of the submissions does not count toward it. Last evaluated 2025-07-08.

Conditions:
CFTR-related disorder (CFTR-RD). Also called: CFTR-related disorders; CFTR-related condition. Identifiers: MedGen C5924204, MONDO:7770004.
Cystic fibrosis (CF). Also called: MUCOVISCIDOSIS. Identifiers: Orphanet 586, MedGen C0010674, MONDO:0009061, OMIM 219700. Disease mechanism: loss of function.
Hereditary pancreatitis (PCTT). Also called: Hereditary chronic pancreatitis; PRSS1-Related Hereditary Pancreatitis. Identifiers: Orphanet 676, MedGen C0238339, MONDO:0008185, OMIM 167800.

Allele frequency attached by ClinVar (database versions not stated): TOPMed 0.00001; ESP Exome Variant Server 0.00008.
gnomAD v4.1: 10 of 1,613,994 alleles (0.00062%); highest among the groups gnomAD compares: Admixed American, 0.0017%; no homozygotes.

Submissions (4):

Ambry Genetics
Classification: Uncertain significance for Cystic fibrosis. Last evaluated: 2025-07-08. Review status: criteria provided, single submitter. Criteria: Ambry Variant Classification Scheme 2023. Collection method: clinical testing. Allele origin: germline.
Comment: The p.M645T variant (also known as c.1934T>C), located in coding exon 14 of the CFTR gene, results from a T to C substitution at nucleotide position 1934. The methionine at codon 645 is replaced by threonine, an amino acid with similar properties. This amino acid position is well conserved in available vertebrate species. In addition, the in silico prediction for this alteration is inconclusive. Based on the available evidence, the clinical significance of this variant remains unclear.

MGZ Medical Genetics Center
Classification: Uncertain significance for Hereditary pancreatitis. Last evaluated: 2021-12-10. Review status: criteria provided, single submitter. Criteria: ACMG Guidelines, 2015. Collection method: clinical testing. Allele origin: germline. Affected: yes. Observed: 1 variant allele.
Comment: ACMG criteria applied: PM1_SUP, PM2_SUP, PP3

ARUP Laboratories, Molecular Genetics and Genomics, ARUP Laboratories
Classification: Uncertain significance. Last evaluated: 2020-04-20. Review status: criteria provided, single submitter. Criteria: ARUP Molecular Germline Variant Investigation Process. Collection method: clinical testing. Allele origin: germline.
Comment: The CFTR c.1934T>C; p.Met645Thr variant (rs377731410), to our knowledge, is not reported in the medical literature or gene specific databases. This variant is found in the general population with a low overall allele frequency of 0.002% (5/251134 alleles) in the Genome Aggregation Database. The methionine at codon 645 is moderately conserved, but computational analyses (SIFT, PolyPhen-2) predict that this variant is tolerated. However, due to the lack of clinical and functional data, the significance of this variant is uncertain at this time.

Natera, Inc.
Classification: Uncertain significance for CFTR-related disorders. Last evaluated: 2018-06-01. Review status: no assertion criteria provided. Collection method: clinical testing. Allele origin: germline. Not counted in ClinVar's aggregate classification.